The following is an entry in ClinVar:

NM_001379110.1(SLC9A6):c.1159C>T (p.His387Tyr)

Gene: SLC9A6 (solute carrier family 9 member A6; plus strand). Cytogenetic location: Xq26.3.
Variant type: single nucleotide variant.
Coding change: c.1159C>T on transcript NM_001379110.1 (MANE Select); coding-DNA position 1159, C replaced by T.
Protein change: p.His387Tyr; replaces histidine 387 with tyrosine.
Molecular consequence: missense variant.
Genome position (GRCh38, 1-based): chrX:136,016,723, C>T. VCF-style: chrX-136016723-C-T. GRCh37 (hg19) VCF-style: chrX-135098882-C-T.
Other names: c.1315C>T, p.His439Tyr (NM_001042537.2); c.1159C>T, p.His387Tyr (NM_001177651.2); c.1063C>T, p.His355Tyr (NM_001330652.2); c.1219C>T, p.His407Tyr (NM_006359.3); short protein forms H355Y, H387Y, H407Y, H439Y.
Identifiers: ClinVar variation 1254024 (VCV001254024.2), dbSNP rs2148179162, ClinGen allele CA414752963.

ClinVar aggregate classification (germline): Likely pathogenic (1 of 4 stars; one submission).

Submission:

GeneDx
Classification: Likely pathogenic. Last evaluated: 2021-08-26. Review status: criteria provided, single submitter. Criteria: GeneDx Variant Classification Process June 2021. Collection method: clinical testing. Allele origin: germline. Affected: yes.
Comment: Has not been previously published as pathogenic or benign to our knowledge; Not observed at significant frequency in large population cohorts (Lek et al., 2016); In silico analysis supports that this missense variant has a deleterious effect on protein structure/function, but splice predictors are inconclusive as to whether the variant alters gene splicing; in the absence of RNA/functional studies, the actual effect of this sequence change is unknown